The following is an entry in ClinVar:

ClinVar aggregate classification (germline): Likely pathogenic. Review status: criteria provided, multiple submitters, no conflicts (2 of 4 stars). 2 submissions from 2 submitters: Likely pathogenic (2). Last evaluated 2022-11-15.

Conditions:
Isovaleryl-CoA dehydrogenase deficiency (IVA). Also called: Classic Isovaleric Acidemia; ISOVALERIC ACID CoA DEHYDROGENASE DEFICIENCY; IVD DEFICIENCY; Isovaleric acidemia. Identifiers: Orphanet 33, MedGen C0268575, MONDO:0009475, OMIM 243500.

Submissions (2):

Revvity Omics, Revvity
Classification: Likely pathogenic for Isovaleryl-CoA dehydrogenase deficiency. Last evaluated: 2022-11-15. Review status: criteria provided, single submitter. Criteria: ACMG Guidelines, 2015. Collection method: clinical testing. Allele origin: germline.

GeneDx
Classification: Likely pathogenic. Last evaluated: 2017-08-07. Review status: criteria provided, single submitter. Criteria: GeneDx Variant Classification (06012015). Collection method: clinical testing. Allele origin: germline. Affected: yes.
Comment: The G159S variant has not been published as a pathogenic variant, nor has it been reported as a benign variant to our knowledge. The G159S variant is a non-conservative amino acid substitution, which is likely to impact secondary protein structure as these residues differ in polarity, charge, size and/or other properties. This substitution occurs at a position that is conserved across species, and in silico analysis predicts this variant is probably damaging to the protein structure/function. Another missense variant in the same residue (G159A) has been reported in the Human Gene Mutation Database in association with isovaleric acidemia (Stenson et al., 2014), supporting the functional importance of this region of the protein. Therefore, this variant is likely pathogenic; however, the possibility that it is benign cannot be excluded.

NM_002225.5(IVD):c.466G>A (p.Gly156Ser)

Gene: IVD (isovaleryl-CoA dehydrogenase; plus strand). Cytogenetic location: 15q15.1.
Variant type: single nucleotide variant.
Coding change: c.466G>A on transcript NM_002225.5 (MANE Select); coding-DNA position 466, G replaced by A.
Protein change: p.Gly156Ser; replaces glycine 156 with serine.
Molecular consequence: missense variant. On other transcripts: non-coding transcript variant (1).
Genome position (GRCh38, 1-based): chr15:40,411,269, G>A. VCF-style: chr15-40411269-G-A. GRCh37 (hg19) VCF-style: chr15-40703468-G-A.
Other names: c.376G>A, p.Gly126Ser (NM_001159508.3); c.418G>A, p.Gly140Ser (NM_001354597.3); c.466G>A, p.Gly156Ser (NM_001354598.3, NM_001354601.3); c.553G>A, p.Gly185Ser (NM_001354599.3, NM_001354600.3); short protein forms G156S, G126S, G140S, G185S.
Identifiers: ClinVar variation 432172 (VCV000432172.5), dbSNP rs1555404010, ClinGen allele CA391716968.